The following is an entry in ClinVar:

ClinVar aggregate classification (germline): Likely pathogenic (0 of 4 stars; one submission).

Conditions:
PKHD1-related disorder. Also called: PKHD1-related condition.

Submission:

PreventionGenetics, part of Exact Sciences
Classification: Likely pathogenic for PKHD1-related condition. Last evaluated: 2024-01-04. Review status: no assertion criteria provided. Collection method: clinical testing. Allele origin: germline.
Comment: The PKHD1 c.7050_7053delCCAA variant is predicted to result in a frameshift and premature protein termination (p.Asn2350Lysfs*64). To our knowledge, this variant has not been reported in the literature or in a large population database, indicating this variant is rare. Frameshift variants in PKHD1 are expected to be pathogenic. This variant is interpreted as likely pathogenic.

NM_138694.4(PKHD1):c.7050_7053del (p.Asn2350fs)

Gene: PKHD1 (PKHD1 ciliary IPT domain containing fibrocystin/polyductin; minus strand). Cytogenetic location: 6p12.2.
Variant type: Microsatellite.
Coding change: c.7050_7053del on transcript NM_138694.4 (MANE Select); coding-DNA positions 7050 to 7053, 4 bases deleted (CCAA; older notation c.7050_7053delCCAA).
Protein change: p.Asn2350fs; shifts the reading frame from asparagine 2350.
Molecular consequence: frameshift variant.
Genome position (GRCh38, 1-based): chr6:51,887,189-51,887,192, TTGG deleted on the plus strand (CCAA on the coding strand, the reverse complement: PKHD1 is on the minus strand); deleting any 4 consecutive bases within chr6:51,887,189-51,887,197 gives the same sequence; the c. name uses the placement nearest the transcript's 3' end. VCF-style (leftmost placement, unchanged base first): chr6-51887188-TTTGG-T. GRCh37 (hg19) VCF-style: chr6-51751986-TTTGG-T.
Other names: c.7050_7053del, p.Asn2350fs (NM_170724.3); short protein forms N2350fs.
Identifiers: ClinVar variation 3029291 (VCV003029291.2), dbSNP rs2536252374, ClinGen allele CA2740091353.